The following is an entry in ClinVar:

NM_001165963.4(SCN1A):c.3629C>T (p.Thr1210Met)

Genes: SCN1A (sodium voltage-gated channel alpha subunit 1; minus strand), LOC102724058 (uncharacterized LOC102724058; plus strand). Cytogenetic location: 2q24.3.
Variant type: single nucleotide variant.
Coding change: c.3629C>T on transcript NM_001165963.4 (MANE Select); coding-DNA position 3629, C replaced by T.
Protein change: p.Thr1210Met; replaces threonine 1210 with methionine.
Molecular consequence: missense variant. On other transcripts: non-coding transcript variant (1).
Genome position (GRCh38, 1-based): chr2:166,013,820, G>A on the plus strand (C>T on the coding strand, the complement: SCN1A is on the minus strand). VCF-style: chr2-166013820-G-A. GRCh37 (hg19) VCF-style: chr2-166870330-G-A.
Other names: NM_001165963.4(SCN1A):c.3629C>T; p.Thr1210Met; c.3593C>T, p.Thr1198Met (NM_001353955.2, NM_001353954.2); c.3542C>T, p.Thr1181Met (NM_001353960.2); c.1187C>T, p.Thr396Met (NM_001353961.2); c.3596C>T, p.Thr1199Met (NM_006920.6, NM_001353949.2, NM_001353950.2 and 2 more transcripts); c.3545C>T, p.Thr1182Met (NM_001353957.2, NM_001353958.2, NM_001165964.3); c.3629C>T, p.Thr1210Met (NM_001202435.3, NM_001353948.2); short protein forms T1210M, T1181M, T1198M, T1182M, T396M, T1199M.
Identifiers: ClinVar variation 658067 (VCV000658067.12), dbSNP rs121918738, ClinGen allele CA1942910.

ClinVar aggregate classification (germline): Likely pathogenic. Review status: reviewed by expert panel (3 of 4 stars). 3 submissions from 3 submitters: Likely pathogenic (1). 2 of the submissions do not count toward it. Last evaluated 2024-04-30.

Conditions:
Inborn genetic diseases. Identifiers: MedGen C0950123, MeSH D030342.
Generalized epilepsy with febrile seizures plus. Also called: Generalized Epilepsy with Febrile Seizures Plus (GEFS+). Identifiers: Orphanet 36387, MedGen C3502809, MONDO:0018214.
Early-infantile DEE. Also called: Early infantile epileptic encephalopathy; Early infantile epileptic encephalopathy with suppression bursts; Ohtahara syndrome. Identifiers: Orphanet 1934, MedGen C0393706, MONDO:0800491.

Allele frequency attached by ClinVar (database versions not stated): gnomAD 0.00001; gnomAD exomes 0.00001 and 0.00002; TOPMed 0.00001; ExAC 0.00002; ESP Exome Variant Server 0.00008.
gnomAD v4.1: 10 of 1,612,136 alleles (0.00062%); highest among the groups gnomAD compares: African/African-American, 0.004%; no homozygotes.

Submissions (3):

ClinGen Epilepsy Sodium Channel Variant Curation Expert Panel, Clingen
Classification: Likely pathogenic for Generalized epilepsy with febrile seizures plus. Last evaluated: 2024-04-30. Review status: reviewed by expert panel. Criteria: ClinGen EpilepsySCN ACMG Specifications SCN1A V1.0.0. Collection method: curation. Allele origin: germline. Inheritance: Autosomal dominant inheritance.
Comment: The NM_001165963.4(SCN1A):c.3629C>T is a missense variant predicted to cause substitution of threonine by methionine at amino acid 1210 (p.Thr1210Met). The variant has been identified in two probands with consistent phenotypes (Genetic epilepsy with febrile seizures plus) in published literature (PMID:35074891 and PMID:28202706)(PS4). One proband inherited the variant from an unaffected father (PMID:28202706). Another missense variant at the same amino acid position in SCN1A (c.3629C>A, p.Thr1210Lys) has been classified as likely pathogenic for a consistent phenotype (Dravet syndrome)(PM5_supporting). The allele frequency for the variant is 0.002% with 4 alleles in gnomAD V2.1.1 (PM2_supporting and BS1 are not met). The computational predictor REVEL gives a score of 0.841, which is above the threshold of 0.773, evidence that correlates with a maximum strength of PP3_Moderate. In summary, this variant meets the criteria to be classified as likely pathogenic for autosomal dominant Genetic epilepsy with febrile seizures plus on the ACMG/AMP criteria applied, as specified by the ClinGen Epilepsy Sodium Channel VCEP: PS4, PM5_supporting, PP3_Moderate. (version 1.0; March 26, 2024)

Labcorp Genetics (formerly Invitae), Labcorp
Classification: Likely pathogenic for Early-infantile DEE. Last evaluated: 2025-03-14. Review status: criteria provided, single submitter. Criteria: Invitae Variant Classification Sherloc (09022015). Collection method: clinical testing. Allele origin: germline. Not counted in ClinVar's aggregate classification.
Comment: This sequence change replaces threonine, which is neutral and polar, with methionine, which is neutral and non-polar, at codon 1210 of the SCN1A protein (p.Thr1210Met). This variant is present in population databases (rs121918738, gnomAD 0.01%). This missense change has been observed in individuals with clinical features of autosomal dominant SCN1A-related conditions (PMID: 28202706; internal data). ClinVar contains an entry for this variant (Variation ID: 658067). Invitae Evidence Modeling of protein sequence and biophysical properties (such as structural, functional, and spatial information, amino acid conservation, physicochemical variation, residue mobility, and thermodynamic stability) indicates that this missense variant is expected to disrupt SCN1A protein function with a positive predictive value of 95%. This variant disrupts the p.Thr1210 amino acid residue in SCN1A. Other variant(s) that disrupt this residue have been observed in individuals with SCN1A-related conditions (PMID: 19350499), which suggests that this may be a clinically significant amino acid residue. In summary, the currently available evidence indicates that the variant is pathogenic, but additional data are needed to prove that conclusively. Therefore, this variant has been classified as Likely Pathogenic.

Ambry Genetics
Classification: Uncertain significance for Inborn genetic diseases. Last evaluated: 2020-06-23. Review status: criteria provided, single submitter. Criteria: Ambry Variant Classification Scheme 2023. Collection method: clinical testing. Allele origin: germline. Not counted in ClinVar's aggregate classification.
Comment: The p.T1210M variant (also known as c.3629C>T), located in coding exon 18 of the SCN1A gene, results from a C to T substitution at nucleotide position 3629. The threonine at codon 1210 is replaced by methionine, an amino acid with similar properties. This amino acid position is highly conserved in available vertebrate species. In addition, this alteration is predicted to be deleterious by in silico analysis. Since supporting evidence is limited at this time, the clinical significance of this alteration remains unclear.

Literature cited by the submitters: PubMed 28202706 (cited by Labcorp Genetics (formerly Invitae), Labcorp and Ambry Genetics); PubMed 19350499 (cited by Labcorp Genetics (formerly Invitae), Labcorp); PubMed 26934580 (cited by Ambry Genetics); PubMed 28518218 (cited by Ambry Genetics).